The following is an entry in ClinVar:

NM_000416.3(IFNGR1):c.92C>T (p.Thr31Ile)

Gene: IFNGR1 (interferon gamma receptor 1; minus strand). Cytogenetic location: 6q23.3.
Variant type: single nucleotide variant.
Coding change: c.92C>T on transcript NM_000416.3 (MANE Select); coding-DNA position 92, C replaced by T.
Protein change: p.Thr31Ile; replaces threonine 31 with isoleucine.
Molecular consequence: missense variant. On other transcripts: 5 prime UTR variant (1).
Genome position (GRCh38, 1-based): chr6:137,207,071, G>A on the plus strand (C>T on the coding strand, the complement: IFNGR1 is on the minus strand). VCF-style: chr6-137207071-G-A. GRCh37 (hg19) VCF-style: chr6-137528208-G-A.
Other names: c.62C>T, p.Thr21Ile (NM_001363526.1); c.-32C>T (NM_001363527.1); short protein forms T31I, T21I.
Identifiers: ClinVar variation 844359 (VCV000844359.11), dbSNP rs370074491, ClinGen allele CA4019051.

ClinVar aggregate classification (germline): Uncertain significance (1 of 4 stars; one submission).

Conditions:
Disseminated atypical mycobacterial infection. Identifiers: MedGen C0694566.

Allele frequency attached by ClinVar (database versions not stated): TOPMed 0.00002.

Submission:

Labcorp Genetics (formerly Invitae), Labcorp
Classification: Uncertain significance for Disseminated atypical mycobacterial infection. Last evaluated: 2023-03-20. Review status: criteria provided, single submitter. Criteria: Invitae Variant Classification Sherloc (09022015). Collection method: clinical testing. Allele origin: germline.
Comment: This sequence change replaces threonine, which is neutral and polar, with isoleucine, which is neutral and non-polar, at codon 31 of the IFNGR1 protein (p.Thr31Ile). This variant is present in population databases (rs370074491, gnomAD 0.09%). This variant has not been reported in the literature in individuals affected with IFNGR1-related conditions. ClinVar contains an entry for this variant (Variation ID: 844359). Advanced modeling of protein sequence and biophysical properties (such as structural, functional, and spatial information, amino acid conservation, physicochemical variation, residue mobility, and thermodynamic stability) performed at Invitae indicates that this missense variant is not expected to disrupt IFNGR1 protein function. In summary, the available evidence is currently insufficient to determine the role of this variant in disease. Therefore, it has been classified as a Variant of Uncertain Significance.